The following is an entry in ClinVar:

ClinVar aggregate classification (germline): Conflicting classifications of pathogenicity. Review status: criteria provided, conflicting classifications (1 of 4 stars). 4 submissions from 4 submitters: Uncertain significance (3); Likely benign (1). Last evaluated 2026-02-03.

Conditions:
COL11A2-related disorder. Also called: COL11A2-related condition; COL11A2-related disorders.

Allele frequency attached by ClinVar (database versions not stated): gnomAD exomes 0.00005.
gnomAD v4.1: 36 of 1,613,954 alleles (0.0022%); highest among the groups gnomAD compares: Admixed American, 0.02%; no homozygotes.

Submissions (4):

GeneDx
Classification: Uncertain significance. Last evaluated: 2026-02-03. Review status: criteria provided, single submitter. Criteria: GeneDx Variant Classification Process June 2021. Collection method: clinical testing. Allele origin: germline. Affected: yes.
Comment: In silico analysis suggests this variant may impact gene splicing. In the absence of RNA/functional studies, the actual effect of this sequence change is unknown.; Has not been previously published as pathogenic or benign to our knowledge

Labcorp Genetics (formerly Invitae), Labcorp
Classification: Likely benign. Last evaluated: 2026-01-11. Review status: criteria provided, single submitter. Criteria: Invitae Variant Classification Sherloc (09022015). Collection method: clinical testing. Allele origin: germline.

PreventionGenetics, part of Exact Sciences
Classification: Uncertain significance for COL11A2-related condition. Last evaluated: 2025-10-03. Review status: criteria provided, single submitter. Criteria: ACMG Guidelines, 2015. Collection method: clinical testing. Allele origin: germline.
Comment: The COL11A2 c.3675C>T variant is not predicted to result in an amino acid change (p.=). This variant is predicted to alter splicing based on available splicing prediction software (SpliceAI, Jaganathan et al. 2019. PubMed ID: 30661751). However, the use of computer prediction softwares is not equivalent to functional evidence. To our knowledge, this variant has not been reported in the literature. This variant is reported in 0.033% in Admixed American population (gnomAD). At this time, the clinical significance of this variant is uncertain due to the absence of conclusive functional and genetic evidence.

Blueprint Genetics
Classification: Uncertain significance. Last evaluated: 2023-05-25. Review status: criteria provided, single submitter. Criteria: ACMG Guidelines, 2015. Collection method: clinical testing. Allele origin: germline.

NM_080680.3(COL11A2):c.3675C>T (p.Gly1225=)

Gene: COL11A2 (collagen type XI alpha 2 chain; minus strand). Cytogenetic location: 6p21.32.
Variant type: single nucleotide variant.
Coding change: c.3675C>T on transcript NM_080680.3 (MANE Select); coding-DNA position 3675, C replaced by T.
Protein change: p.Gly1225=; no amino-acid change (glycine 1225 retained).
Molecular consequence: synonymous variant.
Genome position (GRCh38, 1-based): chr6:33,169,846, G>A on the plus strand (C>T on the coding strand, the complement: COL11A2 is on the minus strand). VCF-style: chr6-33169846-G-A. GRCh37 (hg19) VCF-style: chr6-33137623-G-A.
Other names: c.3354C>T, p.Gly1118= (NM_080679.3); c.3417C>T, p.Gly1139= (NM_080681.3).
Identifiers: ClinVar variation 1302951 (VCV001302951.10), dbSNP rs771644818, ClinGen allele CA3750416.